The following is an entry in ClinVar:

NM_003128.3(SPTBN1):c.1569G>C (p.Arg523=)

Gene: SPTBN1 (spectrin beta, non-erythrocytic 1; plus strand). Cytogenetic location: 2p16.2.
Variant type: single nucleotide variant.
Coding change: c.1569G>C on transcript NM_003128.3 (MANE Select); coding-DNA position 1569, G replaced by C.
Protein change: p.Arg523=; no amino-acid change (arginine 523 retained).
Molecular consequence: synonymous variant.
Genome position (GRCh38, 1-based): chr2:54,626,159, G>C. VCF-style: chr2-54626159-G-C. GRCh37 (hg19) VCF-style: chr2-54853296-G-C.
Other names: c.1530G>C, p.Arg510= (NM_178313.3).
Identifiers: ClinVar variation 3257034 (VCV003257034.17).
Genomic context (GRCh38, chr2:54,626,159, plus strand): 5'-GGACAATGTCATCCGGCTCTGGGAATACCTACTGGAACTGCTCAGGGCCCGGAGACAGCG[G>C]CTCGAGATGAACCTGGGGCTGCAGAAGATATTCCAGGAAATGCTCTACATTATGGACTGG-3'
Protein context (NP_003119.2, residues 513-533): LLELLRARRQ[Arg523=]LEMNLGLQKI

ClinVar aggregate classification (germline): Likely benign (1 of 4 stars; one submission).

gnomAD v4.1: 302 of 1,614,190 alleles (0.019%); highest among the groups gnomAD compares: Admixed American, 0.05%; 2 homozygotes.

Submission:

CeGaT Center for Human Genetics Tuebingen
Classification: Likely benign. Last evaluated: 2025-01-01. Review status: criteria provided, single submitter. Criteria: CeGaT Center For Human Genetics Tuebingen Variant Classification Criteria Version 2. Collection method: clinical testing. Allele origin: germline. Affected: yes. Observed: 2 variant alleles.
Comment: SPTBN1: BP4, BP7